The following is an entry in ClinVar:

ClinVar aggregate classification (germline): Uncertain significance. Review status: criteria provided, multiple submitters, no conflicts (2 of 4 stars). 2 submissions from 2 submitters: Uncertain significance (2). Last evaluated 2025-04-07.

Conditions:
GNAS-related disorder. Identifiers: MedGen CN380105.
Pseudohypoparathyroidism type 1B (PHP1B). Also called: PHP IB; Pseudohypoparathyroidism Type IB; Pseudohypoparathyroidism Ib (PHP-Ib). Identifiers: Orphanet 94089, MedGen C1864100, MONDO:0011301, OMIM 603233.
Pseudohypoparathyroidism type I A (PHP1A). Also called: ALBRIGHT HEREDITARY OSTEODYSTROPHY WITH MULTIPLE HORMONE RESISTANCE; PHP IA; Pseudohypoparathyroidism type 1A; Pseudohypoparathyroidism Type IA; Pseudohypoparathyroidism Ia (PHP-Ia). Identifiers: Orphanet 79443, MedGen C3494506, MONDO:0007078, OMIM 103580.

gnomAD v4.1: 67 of 1,548,694 alleles (0.0043%); highest among the groups gnomAD compares: Non-Finnish European, 0.0057%; no homozygotes.

Submissions (2):

PreventionGenetics, part of Exact Sciences
Classification: Uncertain significance for GNAS-related condition. Last evaluated: 2025-04-07. Review status: criteria provided, single submitter. Criteria: ACMG Guidelines, 2015. Collection method: clinical testing. Allele origin: germline.
Comment: The GNAS c.24C>A variant is predicted to result in premature protein termination (p.Tyr8*). This variant is located in a deep intronic region of the canonical GNAS transcript (NM_000516.5). To our knowledge, this variant has not been reported in the literature. This variant is reported in 0.0027% of alleles in individuals of European (Non-Finnish) descent in gnomAD. At this time, the clinical significance of this variant is uncertain due to the absence of conclusive functional and genetic evidence.

Clinical Genomics Laboratory, Washington University in St. Louis
Classification: Uncertain significance for Pseudohypoparathyroidism type 1B; Pseudohypoparathyroidism type I A. Last evaluated: 2025-01-10. Review status: criteria provided, single submitter. Criteria: ACMG Guidelines, 2015. Collection method: clinical testing. Allele origin: germline.
Comment: A GNAS c.24C>A (p.Tyr8*) variant was identified at a near heterozygous allelic fraction of 49%, a frequency which may be consistent with it being of germline origin. This variant, to our knowledge, has not been reported in the medical literature or in the ClinVar database. This variant is observed on 67/1,548,694 alleles in the general population (gnomAD v.4.1.0). This single nucleotide variant leads to a premature termination codon, which is predicted to lead to nonsense-mediated decay. Due to limited information, and based on the ACMG/AMP guidelines for variant interpretation (Richards S et al., PMID: 25741868), the clinical significance of the GNAS c.24C>A (p.Tyr8*) variant is uncertain at this time.

NM_080425.4(GNAS):c.24C>A (p.Tyr8Ter)

Gene: GNAS (GNAS complex locus; plus strand). Cytogenetic location: 20q13.32.
Variant type: single nucleotide variant.
Coding change: c.24C>A on transcript NM_080425.4 (MANE Plus Clinical); coding-DNA position 24, C replaced by A.
Protein change: p.Tyr8Ter; replaces tyrosine 8 with a stop codon.
Molecular consequence: nonsense. On other transcripts: 5 prime UTR variant (2), intron variant (3).
Genome position (GRCh38, 1-based): chr20:58,853,289, C>A. VCF-style: chr20-58853289-C-A. GRCh37 (hg19) VCF-style: chr20-57428344-C-A.
Other names: c.-164C>A (NM_001077490.3, NM_001309883.1); c.24C>A, p.Tyr8Ter (NM_001410913.1); c.*42+12403C>A (NM_016592.5); c.43+12403C>A (NM_001410912.1); c.-39+11414C>A (NM_001309861.2); c.24C>A (NM_080425.3); short protein forms Y8*.
Identifiers: ClinVar variation 4279756 (VCV004279756.2).